The following is an entry in ClinVar:

ClinVar aggregate classification (germline): Uncertain significance (1 of 4 stars; one submission).

Conditions:
Dilated cardiomyopathy 1O (CMD1O). Also called: CARDIOMYOPATHY, DILATED, WITH VENTRICULAR TACHYCARDIA. Identifiers: Orphanet 154, MedGen C1837839, MONDO:0012062, OMIM 608569.

Allele frequency attached by ClinVar (database versions not stated): gnomAD exomes 0.00004; gnomAD 0.00006; TOPMed 0.00010.
gnomAD v4.1: 20 of 1,613,032 alleles (0.0012%); highest among the groups gnomAD compares: Admixed American, 0.028%; no homozygotes.

Submission:

Labcorp Genetics (formerly Invitae), Labcorp
Classification: Uncertain significance for Dilated cardiomyopathy 1O. Last evaluated: 2023-08-10. Review status: criteria provided, single submitter. Criteria: Invitae Variant Classification Sherloc (09022015). Collection method: clinical testing. Allele origin: germline.
Comment: This sequence change replaces alanine, which is neutral and non-polar, with valine, which is neutral and non-polar, at codon 783 of the ABCC9 protein (p.Ala783Val). This variant is present in population databases (no rsID available, gnomAD 0.02%). This variant has not been reported in the literature in individuals affected with ABCC9-related conditions. ClinVar contains an entry for this variant (Variation ID: 1034966). Advanced modeling of protein sequence and biophysical properties (such as structural, functional, and spatial information, amino acid conservation, physicochemical variation, residue mobility, and thermodynamic stability) has been performed at Invitae for this missense variant, however the output from this modeling did not meet the statistical confidence thresholds required to predict the impact of this variant on ABCC9 protein function. In summary, the available evidence is currently insufficient to determine the role of this variant in disease. Therefore, it has been classified as a Variant of Uncertain Significance.

NM_020297.4(ABCC9):c.2348C>T (p.Ala783Val)

Gene: ABCC9 (ATP binding cassette subfamily C member 9; minus strand). Cytogenetic location: 12p12.1.
Variant type: single nucleotide variant.
Coding change: c.2348C>T on transcript NM_020297.4 (MANE Select); coding-DNA position 2348, C replaced by T.
Protein change: p.Ala783Val; replaces alanine 783 with valine.
Molecular consequence: missense variant.
Genome position (GRCh38, 1-based): chr12:21,861,047, G>A on the plus strand (C>T on the coding strand, the complement: ABCC9 is on the minus strand). VCF-style: chr12-21861047-G-A. GRCh37 (hg19) VCF-style: chr12-22013981-G-A.
Other names: c.2348C>T, p.Ala783Val (NM_001377273.1, NM_005691.4); c.1481C>T, p.Ala494Val (NM_001377274.1); short protein forms A494V, A783V.
Identifiers: ClinVar variation 1034966 (VCV001034966.8), dbSNP rs1195562877, ClinGen allele CA384128630.